The following is an entry in ClinVar:

NM_147127.5(EVC2):c.1435_1437delinsAG (p.Glu479fs)

Genes: EVC2 (EvC ciliary complex subunit 2; minus strand), LOC126806961 (BRD4-independent group 4 enhancer GRCh37_chr4:5641443-5642642; plus strand). Cytogenetic location: 4p16.2.
Variant type: Indel.
Coding change: c.1435_1437delinsAG on transcript NM_147127.5 (MANE Select); coding-DNA positions 1435 to 1437, GAA replaced by AG.
Protein change: p.Glu479fs; shifts the reading frame from glutamic acid 479.
Molecular consequence: frameshift variant.
Genome position (GRCh38, 1-based): chr4:5,640,547-5,640,549, TTC replaced by CT on the plus strand (GAA replaced by AG on the coding strand, the reverse complement: EVC2 is on the minus strand). VCF-style: chr4-5640547-TTC-CT. GRCh37 (hg19) VCF-style: chr4-5642274-TTC-CT.
Other names: c.1195_1197delinsAG, p.Glu399fs (NM_001166136.2); short protein forms E399fs, E479fs.
Identifiers: ClinVar variation 5013351 (VCV005013351.1).

ClinVar aggregate classification (germline): Pathogenic (1 of 4 stars; one submission).

Conditions:
Ellis-van Creveld syndrome (EVC). Also called: MESOECTODERMAL DYSPLASIA; Chondroectodermal dysplasia. Identifiers: Orphanet 289, MedGen C0013903, MONDO:0009162, OMIM 225500.

Submission:

Myriad Genetics, Inc.
Classification: Pathogenic for Ellis-van Creveld syndrome. Last evaluated: 2024-07-23. Review status: criteria provided, single submitter. Criteria: Myriad Autosomal Dominant, Autosomal Recessive and X-Linked Classification Criteria (2023). Collection method: clinical testing. Allele origin: unknown.
Comment: NM_147127.4(EVC2):c.1435_1437delGAAinsAG(E479Rfs*6) is expected to be pathogenic in the context of EVC2-related Ellis-van Creveld syndrome. This variant is predicted to lead to an abnormal or absent protein product due to the creation of a premature termination codon in EVC2, a gene where loss-of-function variants are known to be pathogenic. Please note: this variant was assessed in the context of healthy population screening.